The following is an entry in ClinVar:

NM_000548.5(TSC2):c.2083C>T (p.Gln695Ter)

Gene: TSC2 (TSC complex subunit 2; plus strand). Cytogenetic location: 16p13.3.
Variant type: single nucleotide variant.
Coding change: c.2083C>T on transcript NM_000548.5 (MANE Select); coding-DNA position 2083, C replaced by T.
Protein change: p.Gln695Ter; replaces glutamine 695 with a stop codon.
Molecular consequence: nonsense.
Genome position (GRCh38, 1-based): chr16:2,071,920, C>T. VCF-style: chr16-2071920-C-T. GRCh37 (hg19) VCF-style: chr16-2121921-C-T.
Other names: c.2083C>T, p.Gln695Ter (NM_001077183.3, NM_001114382.3, NM_001363528.2 and 3 more transcripts); c.1972C>T, p.Gln658Ter (NM_001318827.2); c.1936C>T, p.Gln646Ter (NM_001318829.2); c.1483C>T, p.Gln495Ter (NM_001318831.2); c.2116C>T, p.Gln706Ter (NM_001318832.2); c.2083C>T (NM_000548.4); short protein forms Q695*, Q706*, Q495*, Q646*, Q658*.
Identifiers: ClinVar variation 49632 (VCV000049632.11), dbSNP rs45517209, ClinGen allele CA016621.

ClinVar aggregate classification (germline): Pathogenic. Review status: criteria provided, multiple submitters, no conflicts (2 of 4 stars). 4 submissions from 4 submitters: Pathogenic (3). 1 of the submissions does not count toward it. Last evaluated 2026-02-04.

Conditions:
TSC2-related disorder. Also called: TSC2-Related Disorders; TSC2-related condition.
Tuberous sclerosis syndrome (TSC). Also called: Tuberous Sclerosis Complex; Tuberous sclerosis. Identifiers: Orphanet 805, MedGen C0041341, MONDO:0001734.
Tuberous sclerosis 2 (TSC2). Identifiers: Orphanet 805, MedGen C1860707, MONDO:0013199, OMIM 613254.

Submissions (4):

PreventionGenetics, part of Exact Sciences
Classification: Pathogenic for TSC2-related condition. Last evaluated: 2026-02-04. Review status: criteria provided, single submitter. Criteria: ACMG Guidelines, 2015. Collection method: clinical testing. Allele origin: germline.
Comment: The TSC2 c.2083C>T variant is predicted to result in premature protein termination (p.Gln695*). This variant has been reported in individuals with tuberous sclerosis and to be de novo in at least one patient (Table S1, Au et al. 2007. PubMed ID: 17304050; referred to as p.Q693X, Suspitsin et al. 2018. PubMed ID: 29476190). This variant is not reported in a large population database (gnomAD). This variant is interpreted as pathogenic in ClinVar (Variation ID: 49632). Nonsense variants in TSC2 are expected to be pathogenic. This variant is interpreted as pathogenic.

Labcorp Genetics (formerly Invitae), Labcorp
Classification: Pathogenic for Tuberous sclerosis 2. Last evaluated: 2025-07-02. Review status: criteria provided, single submitter. Criteria: Invitae Variant Classification Sherloc (09022015). Collection method: clinical testing. Allele origin: germline.
Comment: This sequence change creates a premature translational stop signal (p.Gln695*) in the TSC2 gene. It is expected to result in an absent or disrupted protein product. Loss-of-function variants in TSC2 are known to be pathogenic (PMID: 10205261, 17304050). This variant is not present in population databases (gnomAD no frequency). This premature translational stop signal has been observed in individual(s) with tuberous sclerosis complex (PMID: 27194594). In at least one individual the variant was observed to be de novo. ClinVar contains an entry for this variant (Variation ID: 49632). For these reasons, this variant has been classified as Pathogenic.

GeneDx
Classification: Pathogenic. Last evaluated: 2022-10-10. Review status: criteria provided, single submitter. Criteria: GeneDx Variant Classification Process June 2021. Collection method: clinical testing. Allele origin: germline. Affected: yes.
Comment: Nonsense variant predicted to result in protein truncation or nonsense mediated decay in a gene for which loss of function is a known mechanism of disease; Not observed at significant frequency in large population cohorts (gnomAD); This variant is associated with the following publications: (PMID: 27194594, 31927531, 29476190, 17304050, 31586081)

Tuberous sclerosis database (TSC2)
No classification provided. Condition: TSC. Review status: no classification provided. Criteria: Tuberous Sclerosis Database Assertion Criteria 2015. Collection method: curation. Allele origin: germline. Affected: yes. Not counted in ClinVar's aggregate classification.

Literature cited by the submitters: PubMed 10205261 (cited by Labcorp Genetics (formerly Invitae), Labcorp); PubMed 17304050 (cited by Labcorp Genetics (formerly Invitae), Labcorp); PubMed 27194594 (cited by Labcorp Genetics (formerly Invitae), Labcorp).